The following is an entry in ClinVar:

ClinVar aggregate classification (germline): Uncertain significance. Review status: reviewed by expert panel (3 of 4 stars). 6 submissions from 6 submitters: Uncertain significance (1). 5 of the submissions do not count toward it. Last evaluated 2025-08-01.

Conditions:
Inborn genetic diseases. Identifiers: MedGen C0950123, MeSH D030342.
RYR1-related disorder. Also called: RYR1-related disorders; RYR1-related condition. Identifiers: MedGen CN239331.
Malignant hyperthermia of anesthesia. Also called: Anesthesic-triggered malignant hyperthermia. Identifiers: Orphanet 423, MedGen C0024591, MONDO:0018493, HP:0034733.
Malignant hyperthermia, susceptibility to, 1 (MHS1). Also called: Malignant hyperthermia suceptibility 1; Anesthesia related hyperthermia; Malignant hyperpyrexia; Fulminating hyperpyrexia; Pharmacogenic myopathy; RYR1-Related Malignant Hyperthermia Susceptibility. Identifiers: Orphanet 423, MedGen C2930980, MONDO:0007783, OMIM 145600.

Allele frequency attached by ClinVar (database versions not stated): gnomAD exomes 0.00001 and 0.00002; ExAC 0.00002.

Submissions (6):

ClinGen Malignant Hyperthermia Susceptibility Variant Curation Expert Panel, ClinGen
Classification: Uncertain significance for Malignant hyperthermia of anesthesia. Last evaluated: 2025-08-01. Review status: reviewed by expert panel. Criteria: ClinGen MHS ACMG Specifications V2. Collection method: curation. Allele origin: germline. Inheritance: Autosomal dominant inheritance.
Comment: This pathogenicity assessment is relevant only for malignant hyperthermia susceptibility (MHS) inherited in an autosomal dominant pattern. Variants in RYR1 can also cause other myopathies inherited in an autosomal dominant pattern or in an autosomal recessive pattern. Some of these disorders may predispose individuals to malignant hyperthermia. RYR1 variants may also contribute to a malignant hyperthermia reaction in combination with other genetic and non-genetic factors and the clinician needs to consider such factors in making management decisions. This sequence variant predicts a substitution of tyrosine with cysteine at codon 2587 of the RYR1 protein, p.(Tyr2587Cys). The maximum allele frequency for this variant among the six major gnomAD populations is AMR: 0.000116, a frequency consistent with pathogenicity for MHS. This variant has been reported in an individual with a personal or family history of an MH episode and a positive in vitro contracture test (IVCT) or caffeine halothane contracture test (CHCT) result (if the proband was unavailable for testing, a positive diagnostic test result in a mutation-positive relative was counted) (PMID:25960145). However, the high MAF in the AMR population in gnomAD precludes the use of PS4. No functional studies were identified for this variant. This variant does not reside in a hotspot for pathogenic variants that contribute to MHS. A REVEL score >0.85 (0.911) supports a pathogenic status for this variant, PP3_Moderate. This variant has been classified as a Variant of Unknown Significance. Criteria implemented: PP3_Moderate.

Women's Health and Genetics/Laboratory Corporation of America, LabCorp
Classification: Uncertain significance. Last evaluated: 2026-05-28. Review status: criteria provided, single submitter. Criteria: LabCorp Variant Classification Summary - May 2015. Collection method: clinical testing. Allele origin: germline. Not counted in ClinVar's aggregate classification.
Comment: Variant summary: RYR1 c.7760A>G (p.Tyr2587Cys) results in a non-conservative amino acid change in the encoded protein sequence. Algorithms developed to predict the effect of missense changes on protein structure and function all suggest that this variant is likely to be disruptive. The variant allele was found at a frequency of 2e-05 in 250156 control chromosomes. The available data on variant occurrences in the general population are insufficient to allow any conclusion about variant significance. c.7760A>G has been observed in individual(s) affected with RYR1-related conditions (Snoeck_2015). These report(s) do not provide unequivocal conclusions about association of the variant with disease. To our knowledge, no experimental evidence demonstrating an impact on protein function has been reported. The following publication have been ascertained in the context of this evaluation (PMID: 25960145). ClinVar contains an entry for this variant (Variation ID: 1056224). Based on the evidence outlined above, the variant was classified as uncertain significance.

Color Diagnostics, LLC DBA Color Health
Classification: Uncertain significance for Malignant hyperthermia, susceptibility to, 1. Last evaluated: 2025-11-20. Review status: criteria provided, single submitter. Criteria: ACMG Guidelines, 2015. Collection method: clinical testing. Allele origin: germline. Not counted in ClinVar's aggregate classification.
Comment: This missense variant replaces tyrosine with cysteine at codon 2587 of the RYR1 protein. Computational prediction suggests that this variant may have deleterious impact on protein structure and function. To our knowledge, functional studies have not been reported for this variant. This variant has been reported in an individual affected with central core disease (PMID: 25960145). This variant has been identified in 5/250156 chromosomes in the general population by the Genome Aggregation Database (gnomAD). The available evidence is insufficient to determine the role of this variant in disease conclusively. Therefore, this variant is classified as a Variant of Uncertain Significance.

Ambry Genetics
Classification: Uncertain significance for Inborn genetic diseases. Last evaluated: 2025-02-27. Review status: criteria provided, single submitter. Criteria: Ambry Variant Classification Scheme 2023. Collection method: clinical testing. Allele origin: germline. Not counted in ClinVar's aggregate classification.
Comment: The c.7760A>G (p.Y2587C) alteration is located in exon 48 (coding exon 48) of the RYR1 gene. This alteration results from an A to G substitution at nucleotide position 7760, causing the tyrosine (Y) at amino acid position 2587 to be replaced by a cysteine (C). Based on data from gnomAD, the G allele has an overall frequency of 0.002% (5/250156) total alleles studied. This variant has been identified in the homozygous state and/or in conjunction with other RYR1 variant(s) in individual(s) with features consistent with central core disease (Snoeck, 2015). This amino acid position is highly conserved in available vertebrate species. This alteration is predicted to be deleterious by in silico analysis. Based on insufficient or conflicting evidence, the clinical significance of this alteration remains unclear.

Labcorp Genetics (formerly Invitae), Labcorp
Classification: Uncertain significance for RYR1-related disorder. Last evaluated: 2025-01-25. Review status: criteria provided, single submitter. Criteria: Invitae Variant Classification Sherloc (09022015). Collection method: clinical testing. Allele origin: germline. Not counted in ClinVar's aggregate classification.
Comment: This sequence change replaces tyrosine, which is neutral and polar, with cysteine, which is neutral and slightly polar, at codon 2587 of the RYR1 protein (p.Tyr2587Cys). This variant is present in population databases (rs767553612, gnomAD 0.01%). This missense change has been observed in individual(s) with clinical features of RYR1-related conditions (PMID: 25960145). ClinVar contains an entry for this variant (Variation ID: 1056224). Invitae Evidence Modeling of protein sequence and biophysical properties (such as structural, functional, and spatial information, amino acid conservation, physicochemical variation, residue mobility, and thermodynamic stability) indicates that this missense variant is expected to disrupt RYR1 protein function with a positive predictive value of 80%. In summary, the available evidence is currently insufficient to determine the role of this variant in disease. Therefore, it has been classified as a Variant of Uncertain Significance.

All of Us Research Program, National Institutes of Health
Classification: Uncertain significance for Malignant hyperthermia, susceptibility to, 1. Last evaluated: 2024-07-20. Review status: criteria provided, single submitter. Criteria: ACMG Guidelines, 2015. Collection method: clinical testing. Allele origin: germline. Inheritance: Autosomal dominant inheritance. Observed: 7 variant alleles, 7 heterozygotes. Not counted in ClinVar's aggregate classification.
Comment: This missense variant replaces tyrosine with cysteine at codon 2587 of the RYR1 protein. Computational prediction suggests that this variant may have deleterious impact on protein structure and function. To our knowledge, functional studies have not been reported for this variant. This variant has been reported in an individual affected with central core disease (PMID: 25960145). This variant has been identified in 5/250156 chromosomes in the general population by the Genome Aggregation Database (gnomAD). The available evidence is insufficient to determine the role of this variant in disease conclusively. Therefore, this variant is classified as a Variant of Uncertain Significance.

This study involves interpretation of variants in research participants for the purpose of population health screening. Participant phenotype was not available at the time of variant classification. Additional details can be found in publication PMID: 35346344, PMCID: PMC8962531

Literature cited by the submitters: PubMed 25960145 (cited by 5 submitters).

NM_000540.3(RYR1):c.7760A>G (p.Tyr2587Cys)

Gene: RYR1 (ryanodine receptor 1; plus strand). Cytogenetic location: 19q13.2.
Variant type: single nucleotide variant.
Coding change: c.7760A>G on transcript NM_000540.3 (MANE Select); coding-DNA position 7760, A replaced by G.
Protein change: p.Tyr2587Cys; replaces tyrosine 2587 with cysteine.
Molecular consequence: missense variant.
Genome position (GRCh38, 1-based): chr19:38,502,652, A>G. VCF-style: chr19-38502652-A-G. GRCh37 (hg19) VCF-style: chr19-38993292-A-G.
Other names: NM_000540.3(RYR1):c.7760A>G; p.(Tyr2587Cys); NM_001042723.2:c.7760A>G; c.7760A>G (NM_000540.2); c.7760A>G, p.Tyr2587Cys (NM_001042723.2); short protein forms Y2587C.
Identifiers: ClinVar variation 1056224 (VCV001056224.17), dbSNP rs767553612, ClinGen allele CA070164.